The following is an entry in ClinVar:

ClinVar aggregate classification (germline): Uncertain significance (1 of 4 stars; one submission).

Conditions:
ABCB11-related disorder. Also called: ABCB11-related condition.

Submission:

PreventionGenetics, part of Exact Sciences
Classification: Uncertain significance for ABCB11-related condition. Last evaluated: 2024-10-25. Review status: criteria provided, single submitter. Criteria: ACMG Guidelines, 2015. Collection method: clinical testing. Allele origin: germline.
Comment: The ABCB11 c.264_275del12 variant is predicted to result in an in-frame deletion (p.Val89_Asp92del). To our knowledge, this variant has not been reported in the literature or in a large population database (gnomAD), indicating this variant is rare. At this time, the clinical significance of this variant is uncertain due to the absence of conclusive functional and genetic evidence.

NM_003742.4(ABCB11):c.264_275del (p.Val89_Asp92del)

Gene: ABCB11 (ATP binding cassette subfamily B member 11; minus strand). Cytogenetic location: 2q31.1.
Variant type: Deletion.
Coding change: c.264_275del on transcript NM_003742.4 (MANE Select); coding-DNA positions 264 to 275, 12 bases deleted (TGTTTTTATTGA).
Protein change: p.Val89_Asp92del.
Molecular consequence: inframe deletion.
Genome position (GRCh38, 1-based): chr2:169,013,386-169,013,397, TCAATAAAAACA deleted on the plus strand (TGTTTTTATTGA on the coding strand, the reverse complement: ABCB11 is on the minus strand); deleting any 12 consecutive bases within chr2:169,013,386-169,013,399 gives the same sequence; the c. name uses the placement nearest the transcript's 3' end. VCF-style (leftmost placement, unchanged base first): chr2-169013385-GTCAATAAAAACA-G. GRCh37 (hg19) VCF-style: chr2-169869895-GTCAATAAAAACA-G.
Identifiers: ClinVar variation 5002573 (VCV005002573.1).